The following is an entry in ClinVar:

ClinVar aggregate classification (germline): Uncertain significance (1 of 4 stars; one submission).

gnomAD v4.1: 1 of 1,614,224 alleles (0.000062%); highest among the groups gnomAD compares: Non-Finnish European, 0.000085%; no homozygotes.

Submission:

GeneDx
Classification: Uncertain significance. Last evaluated: 2026-10-14. Review status: criteria provided, single submitter. Criteria: GeneDx Variant Classification Process June 2021. Collection method: clinical testing. Allele origin: germline.
Comment: Not observed at significant frequency in large population cohorts (gnomAD); In silico analysis supports that this missense variant has a deleterious effect on protein structure/function; Has not been previously published as pathogenic or benign to our knowledge; This variant is associated with the following publications: (PMID: 25609763, 26100331, 25512093)

NM_001376.5(DYNC1H1):c.5850G>T (p.Gln1950His)

Gene: DYNC1H1 (dynein cytoplasmic 1 heavy chain 1; plus strand). Cytogenetic location: 14q32.31.
Variant type: single nucleotide variant.
Coding change: c.5850G>T on transcript NM_001376.5 (MANE Select); coding-DNA position 5850, G replaced by T.
Protein change: p.Gln1950His; replaces glutamine 1950 with histidine.
Molecular consequence: missense variant.
Genome position (GRCh38, 1-based): chr14:102,008,210, G>T. VCF-style: chr14-102008210-G-T. GRCh37 (hg19) VCF-style: chr14-102474547-G-T.
Other names: short protein forms Q1950H.
Identifiers: ClinVar variation 3776465 (VCV003776465.2).
Genomic context (GRCh38, chr14:102,008,210, plus strand): 5'-TTAGCGCCTTTCTTCCTCTCCTTTCCAGGCAATGGGCCGGATCTTTGTGGGCCTTTGCCA[G>T]GTGGGTGCCTGGGGCTGCTTTGACGAGTTCAACCGCCTGGAGGAGCGGATGCTCTCGGCT-3'
Protein context (NP_001367.2, residues 1940-1960): AMGRIFVGLC[Gln1950His]VGAWGCFDEF